The following is an entry in ClinVar:

NM_031844.3(HNRNPU):c.325G>T (p.Glu109Ter)

Gene: HNRNPU (heterogeneous nuclear ribonucleoprotein U; minus strand). Cytogenetic location: 1q44.
Variant type: single nucleotide variant.
Coding change: c.325G>T on transcript NM_031844.3 (MANE Select); coding-DNA position 325, G replaced by T.
Protein change: p.Glu109Ter; replaces glutamic acid 109 with a stop codon.
Molecular consequence: nonsense.
Genome position (GRCh38, 1-based): chr1:244,863,983, C>A on the plus strand (G>T on the coding strand, the complement: HNRNPU is on the minus strand). VCF-style: chr1-244863983-C-A. GRCh37 (hg19) VCF-style: chr1-245027285-C-A.
Other names: c.325G>T, p.Glu109Ter (NM_004501.3); short protein forms E109*.
Identifiers: ClinVar variation 1414731 (VCV001414731.6), dbSNP rs1680930166, ClinGen allele CA345497371.
Genomic context (GRCh38, chr1:244,863,983, plus strand): 5'-CCGAGGCGGCCTCCTCCTCCTCCATCGGGCCCGAGTCGGCCGCCCCCGCGGCCCCGTTCT[C>A]CTCTCCTAGCTCCATCTGGTCGCCGTCCAGAGCGGAGATTCCTTCCTCCTCCTCTTCCTC-3'

ClinVar aggregate classification (germline): Pathogenic (1 of 4 stars; one submission).

Conditions:
Developmental and epileptic encephalopathy, 54. Also called: Epileptic encephalopathy, early infantile, 54; HNRNPU-Related Neurodevelopmental Disorder. Identifiers: MedGen C4479319, MONDO:0033363, OMIM 617391.

Submission:

Labcorp Genetics (formerly Invitae), Labcorp
Classification: Pathogenic for Developmental and epileptic encephalopathy, 54. Last evaluated: 2021-04-15. Review status: criteria provided, single submitter. Criteria: Invitae Variant Classification Sherloc (09022015). Collection method: clinical testing. Allele origin: germline.
Comment: For these reasons, this variant has been classified as Pathogenic. This variant has not been reported in the literature in individuals with HNRNPU-related conditions. This variant is not present in population databases (ExAC no frequency). This sequence change creates a premature translational stop signal (p.Glu109*) in the HNRNPU gene. It is expected to result in an absent or disrupted protein product. Loss-of-function variants in HNRNPU are known to be pathogenic (PMID: 22678713, 28283832).

Literature cited by the submitters: PubMed 22678713; PubMed 28283832.